The following is an entry in ClinVar:

NM_013275.6(ANKRD11):c.4736T>C (p.Met1579Thr)

Gene: ANKRD11 (ankyrin repeat domain 11; minus strand). Cytogenetic location: 16q24.3.
Variant type: single nucleotide variant.
Coding change: c.4736T>C on transcript NM_013275.6 (MANE Select); coding-DNA position 4736, T replaced by C.
Protein change: p.Met1579Thr; replaces methionine 1579 with threonine.
Molecular consequence: missense variant.
Genome position (GRCh38, 1-based): chr16:89,281,806, A>G on the plus strand (T>C on the coding strand, the complement: ANKRD11 is on the minus strand). VCF-style: chr16-89281806-A-G. GRCh37 (hg19) VCF-style: chr16-89348214-A-G.
Other names: c.4736T>C, p.Met1579Thr (NM_001256182.2, NM_001256183.2); short protein forms M1579T.
Identifiers: ClinVar variation 4802795 (VCV004802795.1).
Genomic context (GRCh38, chr16:89,281,806, plus strand): 5'-TTGTGGCGCTCCTCGATCTCCAGGTCCTTCTGGGACAGCATCCTCTCGAAGCTGGTCATC[A>G]TCAGGTCGCCGTCCCCCAGGAGCTTCTCCCTGGGCCTGGCGTCTTTCTTGCCTGGGTCTT-3'
Protein context (NP_037407.4, residues 1569-1589): REKLLGDGDL[Met1579Thr]MTSFERMLSQ

ClinVar aggregate classification (germline): Uncertain significance (1 of 4 stars; one submission).

Conditions:
KBG syndrome (KBGS). Also called: ANKRD11-Related KBG Syndrome. Identifiers: Orphanet 2332, MedGen C0220687, MONDO:0007846, OMIM 148050.

Submission:

Labcorp Genetics (formerly Invitae), Labcorp
Classification: Uncertain significance for KBG syndrome. Last evaluated: 2025-03-11. Review status: criteria provided, single submitter. Criteria: Invitae Variant Classification Sherloc (09022015). Collection method: clinical testing. Allele origin: germline.
Comment: This sequence change replaces methionine, which is neutral and non-polar, with threonine, which is neutral and polar, at codon 1579 of the ANKRD11 protein (p.Met1579Thr). This variant is not present in population databases (gnomAD no frequency). This variant has not been reported in the literature in individuals affected with ANKRD11-related conditions. Invitae Evidence Modeling of protein sequence and biophysical properties (such as structural, functional, and spatial information, amino acid conservation, physicochemical variation, residue mobility, and thermodynamic stability) indicates that this missense variant is not expected to disrupt ANKRD11 protein function with a negative predictive value of 95%. In summary, the available evidence is currently insufficient to determine the role of this variant in disease. Therefore, it has been classified as a Variant of Uncertain Significance.